The following is an entry in ClinVar:

NM_000132.4(F8):c.6429+8606G>C

Genes: F8 (coagulation factor VIII; minus strand), F8A1 (coagulation factor VIII associated 1; plus strand), LOC106146150 (int22h-1 recombination region; plus strand). Cytogenetic location: Xq28.
Variant type: single nucleotide variant.
Coding change: c.6429+8606G>C on transcript NM_000132.4 (MANE Select); 8606 bases into the intron after coding-DNA position 6429, G replaced by C.
Molecular consequence: intron variant. On other transcripts: missense variant (1).
Genome position (GRCh38, 1-based): chrX:154,887,471, C>G on the plus strand (G>C on the coding strand, the complement: F8 is on the minus strand). VCF-style: chrX-154887471-C-G. GRCh37 (hg19) VCF-style: chrX-154115746-C-G.
Other names: c.1097C>G, p.Pro366Arg (NM_012151.4); short protein forms P366R.
Identifiers: ClinVar variation 804135 (VCV000804135.2), dbSNP rs1603432445, ClinGen allele CA414898819.

ClinVar aggregate classification (germline): Likely benign. Review status: reviewed by expert panel (3 of 4 stars). 2 submissions from 2 submitters: Likely benign (1). 1 of the submissions does not count toward it. Last evaluated 2025-09-05.

Conditions:
Hereditary factor VIII deficiency disease (HEMA). Also called: AUTOSOMAL HEMOPHILIA A; Hemophilia A; HEMOPHILIA, CLASSIC; Hemophilia A, congenital; HEM A; Factor 8 deficiency, congenital. Identifiers: Orphanet 98878, MedGen C0019069, MONDO:0010602, OMIM 306700.

Submissions (2):

ClinGen Coagulation Factor Deficiency Variant Curation Expert Panel, Clingen
Classification: Likely benign for Hereditary factor VIII deficiency disease. Last evaluated: 2025-09-05. Review status: reviewed by expert panel. Criteria: ClinGen CoagFactor ACMG Specifications F8 V1.0.0. Collection method: curation. Allele origin: germline. Inheritance: X-linked inheritance.
Comment: The c.6429+8606G>C variant has a SpliceAI score that predicts no impact on splicing: Acceptor Loss: 0.00, Donor Loss: 0.01, Acceptor Gain: 0.03, Donor Gain: 0.00 meeting BP4 and BP7, given this variant in intronic. This variant was not present in gnomAD but PM2_Supporting was not applied due to a concern of poor coverage in this region. Other reported variants in gnomAD are downstream of this variant, but application of this rule code would not alter its classification, so the code is not applied out of an abundance of caution. No report of this variant in patients with hemophilia A was identified in the literature. In summary, based on the evidence available at this time, the clinical significance of this variant is likely benign. ACMG/AMP criteria applied, as specified by the Coagulation Factor Deficiency Variant Curation Expert Panel for F8/F9: BP4, BP7.

Mendelics
Classification: Likely benign for Hereditary factor VIII deficiency disease. Last evaluated: 2019-05-28. Review status: criteria provided, single submitter. Criteria: Mendelics Assertion Criteria 2017. Collection method: clinical testing. Allele origin: unknown. Not counted in ClinVar's aggregate classification.